The following is an entry in ClinVar:

ClinVar aggregate classification (germline): Uncertain significance (1 of 4 stars; one submission).

Conditions:
Hereditary cancer-predisposing syndrome. Also called: Hereditary Cancer Syndrome; Hereditary neoplastic syndrome; Neoplastic Syndromes, Hereditary; Tumor predisposition. Identifiers: Orphanet 140162, MedGen C0027672, MeSH D009386, MONDO:0015356.

Submission:

Sema4
Classification: Uncertain significance for Hereditary cancer-predisposing syndrome. Last evaluated: 2021-06-04. Review status: criteria provided, single submitter. Criteria: Sema4 Curation Guidelines. Collection method: curation. Allele origin: germline.
Comment: The POLD1 c.1240_1241insCCTTG (p.K414TfsX66) variant has not been reported in the literature to our knowledge. This variant causes a frameshift at amino acid 414 that results in premature termination 66 amino acids downstream. At this location, this is predicted to cause nonsense-mediated decay and result in an absent protein (loss of function). Loss of function of POLD1 has not been clearly established as a mechanism of disease. It was not observed in the large and broad cohorts of the Genome Aggregation Database (PMID: 32461654). The variant has not been reported in ClinVar. The evidence is insufficient to meet ACMG/AMP criteria for classifying the variant as benign or pathogenic. Thus, the clinical significance of this variant is currently uncertain.

NM_002691.4(POLD1):c.1240_1241insCCTTG (p.Lys414fs)

Gene: POLD1 (DNA polymerase delta 1, catalytic subunit; plus strand). Cytogenetic location: 19q13.33.
Variant type: Insertion.
Coding change: c.1240_1241insCCTTG on transcript NM_002691.4 (MANE Select); coding-DNA positions 1240 to 1241, CCTTG inserted.
Protein change: p.Lys414fs; shifts the reading frame from lysine 414.
Molecular consequence: frameshift variant. On other transcripts: non-coding transcript variant (1).
Genome position: GRCh38 VCF-style: chr19-50403595-A-ACCTTG. GRCh37 (hg19) VCF-style: chr19-50906852-A-ACCTTG.
Other names: c.1240_1241insCCTTG, p.Lys414fs (NM_001256849.1, NM_001308632.1); short protein forms K414fs.
Identifiers: ClinVar variation 1692702 (VCV001692702.1), dbSNP rs2122279765, ClinGen allele CA2573156579.
Genomic context (GRCh38, chr19:50,403,595, plus strand): 5'-ACCGGTTACAACATCCAGAACTTCGACCTTCCGTACCTCATCTCTCGGGCCCAGACCCTC[A>ACCTTG]AGGTGAGGGCTGGGCAGGTGGGAGGCTTCTCTCAGATGCCCCAGGTGTGGCCTCCGGGCC-3'